The following is an entry in ClinVar:

ClinVar aggregate classification (germline): Likely benign. Review status: criteria provided, multiple submitters, no conflicts (2 of 4 stars). 3 submissions from 3 submitters: Likely benign (3). Last evaluated 2025-03-03.

Conditions:
Neurodevelopmental disorder with or without hyperkinetic movements and seizures, autosomal dominant. Also called: Intellectual disability, autosomal dominant 8. Identifiers: MedGen C3280282, MONDO:0013655, OMIM 614254.

Allele frequency attached by ClinVar (database versions not stated): ExAC 0.00001; gnomAD 0.00001; gnomAD exomes 0.00001 and 0.00002; TOPMed 0.00001.
gnomAD v4.1: 19 of 1,608,974 alleles (0.0012%); highest among the groups gnomAD compares: Middle Eastern, 0.16%; 1 homozygote.

Submissions (3):

Labcorp Genetics (formerly Invitae), Labcorp
Classification: Likely benign for Neurodevelopmental disorder with or without hyperkinetic movements and seizures, autosomal dominant. Last evaluated: 2025-03-03. Review status: criteria provided, single submitter. Criteria: Invitae Variant Classification Sherloc (09022015). Collection method: clinical testing. Allele origin: germline.

GeneDx
Classification: Likely benign. Last evaluated: 2016-07-22. Review status: criteria provided, single submitter. Criteria: GeneDx Variant Classification (06012015). Collection method: clinical testing. Allele origin: germline. Affected: yes.
Comment: This variant is considered likely benign or benign based on one or more of the following criteria: it is a conservative change, it occurs at a poorly conserved position in the protein, it is predicted to be benign by multiple in silico algorithms, and/or has population frequency not consistent with disease.

Genetic Services Laboratory, University of Chicago
Classification: Likely benign. Last evaluated: 2016-04-25. Review status: criteria provided, single submitter. Criteria: ACMG Guidelines, 2015. Collection method: clinical testing. Allele origin: germline. Affected: no.

NM_007327.4(GRIN1):c.2121G>A (p.Glu707=)

Gene: GRIN1 (glutamate ionotropic receptor NMDA type subunit 1; plus strand). Cytogenetic location: 9q34.3.
Variant type: single nucleotide variant.
Coding change: c.2121G>A on transcript NM_007327.4 (MANE Select); coding-DNA position 2121, G replaced by A.
Protein change: p.Glu707=; no amino-acid change (glutamic acid 707 retained).
Molecular consequence: synonymous variant.
Genome position (GRCh38, 1-based): chr9:137,162,953, G>A. VCF-style: chr9-137162953-G-A. GRCh37 (hg19) VCF-style: chr9-140057405-G-A.
Other names: c.2121G>A, p.Glu707= (NM_000832.7, NM_021569.4); c.2184G>A, p.Glu728= (NM_001185090.2, NM_001185091.2).
Identifiers: ClinVar variation 388005 (VCV000388005.10), dbSNP rs774389234, ClinGen allele CA5361057.